The following is an entry in ClinVar:

NM_024063.3(AFG2B):c.734T>A (p.Val245Glu)

Genes: AFG2B (AFG2 AAA ATPase homolog B; plus strand), LOC130056998 (ATAC-STARR-seq lymphoblastoid silent region 6408; plus strand). Cytogenetic location: 15q21.1.
Variant type: single nucleotide variant.
Coding change: c.734T>A on transcript NM_024063.3 (MANE Select); coding-DNA position 734, T replaced by A.
Protein change: p.Val245Glu; replaces valine 245 with glutamic acid.
Molecular consequence: missense variant. On other transcripts: non-coding transcript variant (5).
Genome position (GRCh38, 1-based): chr15:45,403,163, T>A. VCF-style: chr15-45403163-T-A. GRCh37 (hg19) VCF-style: chr15-45695361-T-A.
Other names: c.734T>A, p.Val245Glu (NM_001323640.2); short protein forms V245E.
Identifiers: ClinVar variation 1275861 (VCV001275861.21), dbSNP rs1230836596, ClinGen allele CA392262928.
Genomic context (GRCh38, chr15:45,403,163, plus strand): 5'-CCCTGACCGCGCTGGGCTTAGCGGTGCCTCGCGGGGTGCTCCTGGCGGGGCCCCCCGGAG[T>A]GGGCAAGACCCAGCTGGTGCGGGCCGTGGCGCGCGAGGCGGGCGCGGAGCTGCTGGCAGT-3'
Protein context (NP_076968.2, residues 235-255): RGVLLAGPPG[Val245Glu]GKTQLVRAVA

ClinVar aggregate classification (germline): Likely pathogenic. Review status: criteria provided, single submitter (1 of 4 stars). 2 submissions from 2 submitters: Likely pathogenic (1). 1 of the submissions does not count toward it. Last evaluated 2021-09-13.

Conditions:
Neurodevelopmental disorder with hearing loss and spasticity. Identifiers: Orphanet 659975, MedGen C5562024, MONDO:0859206, OMIM 619616.

Allele frequency attached by ClinVar (database versions not stated): gnomAD 0.00001; TOPMed 0.00001.
gnomAD v4.1: 8 of 1,450,292 alleles (0.00055%); highest among the groups gnomAD compares: Non-Finnish European, 0.00072%; no homozygotes.

Submissions (2):

GeneDx
Classification: Likely pathogenic. Last evaluated: 2021-09-13. Review status: criteria provided, single submitter. Criteria: GeneDx Variant Classification Process June 2021. Collection method: clinical testing. Allele origin: germline. Affected: yes.
Comment: In silico analysis supports that this missense variant has a deleterious effect on protein structure/function; Not observed at significant frequency in large population cohorts (Lek et al., 2016)

OMIM
Classification: Pathogenic for NEURODEVELOPMENTAL DISORDER WITH HEARING LOSS AND SPASTICITY. Last evaluated: 2023-04-19. Review status: no assertion criteria provided. Collection method: literature only. Allele origin: germline. Not counted in ClinVar's aggregate classification.

Literature cited by the submitters: PubMed 34626583 (cited by OMIM).